The following is an entry in ClinVar:

NM_001281740.3(FHOD3):c.957+29C>G

Gene: FHOD3 (formin homology 2 domain containing 3; plus strand). Cytogenetic location: 18q12.2.
Variant type: single nucleotide variant.
Coding change: c.957+29C>G on transcript NM_001281740.3 (MANE Select); 29 bases into the intron after coding-DNA position 957, C replaced by G.
Molecular consequence: intron variant.
Genome position (GRCh38, 1-based): chr18:36,612,124, C>G. VCF-style: chr18-36612124-C-G. GRCh37 (hg19) VCF-style: chr18-34192087-C-G.
Other names: NC_000018.9:g.34192087C>G; c.957+29C>G (NM_025135.5, NM_001281739.3).
Identifiers: ClinVar variation 1706765 (VCV001706765.3), dbSNP rs73948089, ClinGen allele CA8941472.

ClinVar aggregate classification (germline): Likely benign (1 of 4 stars; one submission).

Allele frequency attached by ClinVar (database versions not stated): 1000 Genomes Project 0.00639; ESP Exome Variant Server 0.00677; 1000 Genomes Project 30x 0.00703.
gnomAD v4.1: 1,628 of 1,604,746 alleles (0.1%); highest among the groups gnomAD compares: African/African-American, 1.9%; 14 homozygotes.

Submissions (3):

GeneDx
Classification: Likely benign. Last evaluated: 2021-03-28. Review status: criteria provided, single submitter. Criteria: GeneDx Variant Classification Process June 2021. Collection method: clinical testing. Allele origin: germline. Affected: yes.
Comment: See Variant Classification Assertion Criteria.

Dr. Peter K. Rogan Lab, Western University
No classification provided (evidence only). Condition: Cervical cancer. Review status: no classification provided. Collection method: in vitro. Allele origin: not applicable. Functional consequence: skipped exon. Not counted in ClinVar's aggregate classification.

Dr. Peter K. Rogan Lab, Western University
No classification provided (evidence only). Condition: Sarcoma. Review status: no classification provided. Collection method: in vitro. Allele origin: not applicable. Functional consequence: retained intron. Not counted in ClinVar's aggregate classification.